The following is an entry in ClinVar:

ClinVar aggregate classification (germline): Pathogenic (1 of 4 stars; one submission).

Submission:

Baylor Genetics
Classification: Pathogenic. Last evaluated: 2018-11-01. Review status: criteria provided, single submitter. Criteria: ACMG CNV Guidelines, 2011. Collection method: clinical testing. Allele origin: maternal. Affected: yes. Observed: 1 variant allele.
Comment: Deletions involving this region have been previously reported in patients with developmental delay, microcephaly, epilepsy, short stature, facial dysmorphism and behavioral problems [PMID: 23637818, 19843651]

GRCh37/hg19 16p13.11(chr16:15493046-16053729)

Genes: CEP20 (centrosomal protein 20; minus strand), MARF1 (meiosis regulator and mRNA stability factor 1; minus strand), MPV17L (MPV17 mitochondrial inner membrane protein like; plus strand), ABCC1 (ATP binding cassette subfamily C member 1 (ABCC1 blood group); plus strand), BMERB1 (bMERB domain containing 1; plus strand) and 2 more. Cytogenetic location: 16p13.11.
Variant type: copy number loss.
Identifiers: ClinVar variation 625573 (VCV000625573.1).